The following is an entry in ClinVar:

ClinVar aggregate classification (germline): Uncertain significance (1 of 4 stars; one submission).

Conditions:
Baller-Gerold syndrome (BGS). Also called: CRANIOSYNOSTOSIS WITH RADIAL DEFECTS. Identifiers: Orphanet 1225, MedGen C0265308, MONDO:0009039, OMIM 218600.

Allele frequency attached by ClinVar (database versions not stated): gnomAD 0.00001; TOPMed 0.00001.

Submission:

Labcorp Genetics (formerly Invitae), Labcorp
Classification: Uncertain significance for Baller-Gerold syndrome. Last evaluated: 2022-09-20. Review status: criteria provided, single submitter. Criteria: Invitae Variant Classification Sherloc (09022015). Collection method: clinical testing. Allele origin: germline.
Comment: In summary, the available evidence is currently insufficient to determine the role of this variant in disease. Therefore, it has been classified as a Variant of Uncertain Significance. Algorithms developed to predict the effect of sequence changes on RNA splicing suggest that this variant may disrupt the consensus splice site. Experimental studies and prediction algorithms are not available or were not evaluated, and the functional significance of this variant is currently unknown. This variant, c.2468_2476del, is a complex sequence change that results in the deletion of four and insertion of one amino acid(s) in the RECQL4 protein (p.Glu823_Arg826delinsGly). This variant is not present in population databases (gnomAD no frequency). This variant has not been reported in the literature in individuals affected with RECQL4-related conditions. ClinVar contains an entry for this variant (Variation ID: 1017656).

NM_004260.4(RECQL4):c.2468_2476del (p.Glu823_Arg826delinsGly)

Gene: RECQL4 (RecQ like helicase 4; minus strand). Cytogenetic location: 8q24.3.
Variant type: Deletion.
Coding change: c.2468_2476del on transcript NM_004260.4 (MANE Select); coding-DNA positions 2468 to 2476, 9 bases deleted (AAGACCTGC; older notation c.2468_2476delAAGACCTGC).
Protein change: p.Glu823_Arg826delinsGly.
Molecular consequence: inframe indel.
Genome position (GRCh38, 1-based): chr8:144,513,126-144,513,134, GCAGGTCTT deleted on the plus strand (AAGACCTGC on the coding strand, the reverse complement: RECQL4 is on the minus strand). VCF-style (leftmost placement, unchanged base first): chr8-144513125-CGCAGGTCTT-C. GRCh37 (hg19) VCF-style: chr8-145738508-CGCAGGTCTT-C.
Identifiers: ClinVar variation 1017656 (VCV001017656.5), dbSNP rs1827568539, ClinGen allele CA1120282583.